The following is an entry in ClinVar:

ClinVar aggregate classification (germline): Conflicting classifications of pathogenicity. Review status: criteria provided, conflicting classifications (1 of 4 stars). 2 submissions from 2 submitters: Uncertain significance (1); Likely benign (1). Last evaluated 2024-01-03.

Conditions:
Inborn genetic diseases. Identifiers: MedGen C0950123, MeSH D030342.

Allele frequency attached by ClinVar (database versions not stated): ExAC 0.00005; ESP Exome Variant Server 0.00008; TOPMed 0.00024; gnomAD 0.00029 and 0.00031.
gnomAD v4.1: 118 of 1,613,966 alleles (0.0073%); highest among the groups gnomAD compares: Admixed American, 0.073%; no homozygotes.

Submissions (2):

Ambry Genetics
Classification: Likely benign for Inborn genetic diseases. Last evaluated: 2024-01-03. Review status: criteria provided, single submitter. Criteria: Ambry Variant Classification Scheme 2023. Collection method: clinical testing. Allele origin: germline.

GeneDx
Classification: Uncertain significance. Last evaluated: 2022-07-25. Review status: criteria provided, single submitter. Criteria: GeneDx Variant Classification Process June 2021. Collection method: clinical testing. Allele origin: germline. Affected: yes.
Comment: In silico analysis supports that this missense variant does not alter protein structure/function; Has not been previously published as pathogenic or benign to our knowledge

NM_016343.4(CENPF):c.4352C>T (p.Thr1451Met)

Gene: CENPF (centromere protein F; plus strand). Cytogenetic location: 1q41.
Variant type: single nucleotide variant.
Coding change: c.4352C>T on transcript NM_016343.4 (MANE Select); coding-DNA position 4352, C replaced by T.
Protein change: p.Thr1451Met; replaces threonine 1451 with methionine.
Molecular consequence: missense variant.
Genome position (GRCh38, 1-based): chr1:214,642,690, C>T. VCF-style: chr1-214642690-C-T. GRCh37 (hg19) VCF-style: chr1-214816033-C-T.
Other names: short protein forms T1451M.
Identifiers: ClinVar variation 1702653 (VCV001702653.3), dbSNP rs147738481, ClinGen allele CA1390575.